The following is an entry in ClinVar:

NM_003384.3(VRK1):c.998G>A (p.Ser333Asn)

Gene: VRK1 (VRK serine/threonine kinase 1; plus strand). Cytogenetic location: 14q32.2.
Variant type: single nucleotide variant.
Coding change: c.998G>A on transcript NM_003384.3 (MANE Select); coding-DNA position 998, G replaced by A.
Protein change: p.Ser333Asn; replaces serine 333 with asparagine.
Molecular consequence: missense variant.
Genome position (GRCh38, 1-based): chr14:96,860,665, G>A. VCF-style: chr14-96860665-G-A. GRCh37 (hg19) VCF-style: chr14-97327002-G-A.
Other names: c.998G>A, p.Ser333Asn (NM_001411051.1, NM_001411053.1); short protein forms S333N.
Identifiers: ClinVar variation 2414507 (VCV002414507.6), dbSNP rs374110329, ClinGen allele CA7339139.

ClinVar aggregate classification (germline): Uncertain significance (1 of 4 stars; one submission).

Conditions:
Pontocerebellar hypoplasia type 1A (PCH1A). Also called: PONTOCEREBELLAR HYPOPLASIA WITH ANTERIOR HORN CELL DISEASE; PONTOCEREBELLAR HYPOPLASIA WITH INFANTILE SPINAL MUSCULAR ATROPHY. Identifiers: Orphanet 2254, Orphanet 88616, MedGen C1843504, MONDO:0011866, OMIM 607596.

Allele frequency attached by ClinVar (database versions not stated): ExAC 0.00002; TOPMed 0.00003; gnomAD 0.00005; ESP Exome Variant Server 0.00008.
gnomAD v4.1: 7 of 1,613,314 alleles (0.00043%); highest among the groups gnomAD compares: African/African-American, 0.0093%; no homozygotes.

Submission:

Labcorp Genetics (formerly Invitae), Labcorp
Classification: Uncertain significance for Pontocerebellar hypoplasia type 1A. Last evaluated: 2022-04-25. Review status: criteria provided, single submitter. Criteria: Invitae Variant Classification Sherloc (09022015). Collection method: clinical testing. Allele origin: germline.
Comment: In summary, the available evidence is currently insufficient to determine the role of this variant in disease. Therefore, it has been classified as a Variant of Uncertain Significance. Algorithms developed to predict the effect of missense changes on protein structure and function output the following: SIFT: "Tolerated"; PolyPhen-2: "Benign"; Align-GVGD: "Class C0". The asparagine amino acid residue is found in multiple mammalian species, which suggests that this missense change does not adversely affect protein function. This variant has not been reported in the literature in individuals affected with VRK1-related conditions. The frequency data for this variant in the population databases is considered unreliable, as metrics indicate poor data quality at this position in the gnomAD database. This sequence change replaces serine, which is neutral and polar, with asparagine, which is neutral and polar, at codon 333 of the VRK1 protein (p.Ser333Asn).